The following is an entry in ClinVar:

NM_014797.3(ZBTB24):c.644_648del (p.Glu215fs)

Gene: ZBTB24 (zinc finger and BTB domain containing 24; minus strand). Cytogenetic location: 6q21.
Variant type: Microsatellite.
Coding change: c.644_648del on transcript NM_014797.3 (MANE Select); coding-DNA positions 644 to 648, 5 bases deleted (AAAAG; older notation c.644_648delAAAAG).
Protein change: p.Glu215fs; shifts the reading frame from glutamic acid 215.
Molecular consequence: frameshift variant.
Genome position (GRCh38, 1-based): chr6:109,481,379-109,481,383, CTTTT deleted on the plus strand (AAAAG on the coding strand, the reverse complement: ZBTB24 is on the minus strand); deleting any 5 consecutive bases within chr6:109,481,379-109,481,388 gives the same sequence; the c. name uses the placement nearest the transcript's 3' end. VCF-style (leftmost placement, unchanged base first): chr6-109481378-CCTTTT-C. GRCh37 (hg19) VCF-style: chr6-109802581-CCTTTT-C.
Other names: c.644_648del, p.Glu215fs (NM_001164313.2); short protein forms E215fs.
Identifiers: ClinVar variation 4715486 (VCV004715486.1).

ClinVar aggregate classification (germline): Pathogenic (1 of 4 stars; one submission).

Conditions:
Immunodeficiency-centromeric instability-facial anomalies syndrome 2 (ICF2). Identifiers: Orphanet 2268, MedGen C3279748, MONDO:0013553, OMIM 614069.

Submission:

Labcorp Genetics (formerly Invitae), Labcorp
Classification: Pathogenic for Immunodeficiency-centromeric instability-facial anomalies syndrome 2. Last evaluated: 2025-03-19. Review status: criteria provided, single submitter. Criteria: Invitae Variant Classification Sherloc (09022015). Collection method: clinical testing. Allele origin: germline.
Comment: This sequence change creates a premature translational stop signal (p.Glu215Glyfs*8) in the ZBTB24 gene. It is expected to result in an absent or disrupted protein product. Loss-of-function variants in ZBTB24 are known to be pathogenic (PMID: 21596365). This variant is not present in population databases (gnomAD no frequency). This variant has not been reported in the literature in individuals affected with ZBTB24-related conditions. For these reasons, this variant has been classified as Pathogenic.

Literature cited by the submitters: PubMed 21596365.